The following is an entry in ClinVar:

ClinVar aggregate classification (germline): Conflicting classifications of pathogenicity. Review status: criteria provided, conflicting classifications (1 of 4 stars). 3 submissions from 3 submitters: Uncertain significance (1); Likely benign (2). Last evaluated 2024-01-03.

Conditions:
Inborn genetic diseases. Identifiers: MedGen C0950123, MeSH D030342.

Allele frequency attached by ClinVar (database versions not stated): ExAC 0.00002; gnomAD 0.00002; gnomAD exomes 0.00002; TOPMed 0.00002; ESP Exome Variant Server 0.00009.

Submissions (3):

Labcorp Genetics (formerly Invitae), Labcorp
Classification: Likely benign. Last evaluated: 2024-01-03. Review status: criteria provided, single submitter. Criteria: Invitae Variant Classification Sherloc (09022015). Collection method: clinical testing. Allele origin: germline.

GeneDx
Classification: Uncertain significance. Last evaluated: 2022-04-11. Review status: criteria provided, single submitter. Criteria: GeneDx Variant Classification Process June 2021. Collection method: clinical testing. Allele origin: germline. Affected: yes.
Comment: In silico analysis supports that this missense variant has a deleterious effect on protein structure/function; Has not been previously published as pathogenic or benign to our knowledge

Ambry Genetics
Classification: Likely benign for Inborn genetic diseases. Last evaluated: 2022-02-10. Review status: criteria provided, single submitter. Criteria: Ambry Variant Classification Scheme 2023. Collection method: clinical testing. Allele origin: germline.

NM_001039591.3(USP9X):c.3140T>C (p.Met1047Thr)

Gene: USP9X (ubiquitin specific peptidase 9 X-linked; plus strand). Cytogenetic location: Xp11.4.
Variant type: single nucleotide variant.
Coding change: c.3140T>C on transcript NM_001039591.3 (MANE Select); coding-DNA position 3140, T replaced by C.
Protein change: p.Met1047Thr; replaces methionine 1047 with threonine.
Molecular consequence: missense variant.
Genome position (GRCh38, 1-based): chrX:41,171,950, T>C. VCF-style: chrX-41171950-T-C. GRCh37 (hg19) VCF-style: chrX-41031203-T-C.
Other names: c.3140T>C, p.Met1047Thr (NM_001039590.3); c.3155T>C, p.Met1052Thr (NM_001410748.1, NM_001410749.1); short protein forms M1047T, M1052T.
Identifiers: ClinVar variation 1710560 (VCV001710560.8), dbSNP rs5917414, ClinGen allele CA10388653.
Genomic context (GRCh38, chrX:41,171,950, plus strand): 5'-TAGGTAGCAGCCTAAATATGCCACCCCTTAGAGATGGAGCAAGAGTACTTATGAAACTTA[T>C]GCCGCCAGGTAAGAATTTTTAAATGATGATCAAGTACTTGCTGGACAATAAAGGAGTATA-3'
Protein context (NP_001034680.2, residues 1037-1057): RDGARVLMKL[Met1047Thr]PPDSTTIEKL